The following is an entry in ClinVar:

ClinVar aggregate classification (germline): Likely pathogenic (1 of 4 stars; one submission).

Conditions:
8q24.3 microdeletion syndrome. Also called: Verheij syndrome; CHROMOSOME 8q24.3 DELETION SYNDROME. Identifiers: Orphanet 508488, MedGen C3810023, MONDO:0014263, OMIM 615583.

Submission:

Laboratorio de Genetica e Diagnostico Molecular, Hospital Israelita Albert Einstein
Classification: Likely pathogenic for 8q24.3 microdeletion syndrome. Last evaluated: 2022-02-01. Review status: criteria provided, single submitter. Criteria: ACMG Guidelines, 2015. Collection method: clinical testing. Allele origin: germline. Affected: yes.
Comment: ACMG classification criteria: PVS1 very strong, PM2 moderate

NM_078480.3(PUF60):c.274C>T (p.Gln92Ter)

Gene: PUF60 (poly(U) binding splicing factor 60; minus strand). Cytogenetic location: 8q24.3.
Variant type: single nucleotide variant.
Coding change: c.274C>T on transcript NM_078480.3 (MANE Select); coding-DNA position 274, C replaced by T.
Protein change: p.Gln92Ter; replaces glutamine 92 with a stop codon.
Molecular consequence: nonsense.
Genome position (GRCh38, 1-based): chr8:143,821,620, G>A on the plus strand (C>T on the coding strand, the complement: PUF60 is on the minus strand). VCF-style: chr8-143821620-G-A. GRCh37 (hg19) VCF-style: chr8-144903790-G-A.
Other names: c.145C>T, p.Gln49Ter (NM_001136033.3, NM_001271100.2); c.271C>T, p.Gln91Ter (NM_001271096.2, NM_001271098.2); c.187C>T, p.Gln63Ter (NM_001271097.2, NM_001271099.2); c.385C>T, p.Gln129Ter (NM_001362895.2, NM_001362896.2, NM_001362897.2); c.274C>T, p.Gln92Ter (NM_014281.5); short protein forms Q129*, Q49*, Q63*, Q91*, Q92*.
Identifiers: ClinVar variation 1683739 (VCV001683739.2), dbSNP rs1210239952, ClinGen allele CA372495877.
Genomic context (GRCh38, chr8:143,821,620, plus strand): 5'-GGTGGGGAGGGCGGTAGAGGCTCCGGCCGGGGCTCACCTGCAGGTTGGTGAGCTGCTGCT[G>A]CTGGTGCGCGATGGTCTGCTTCACCAGCACACTCTTGATGCTCTGCTCCATGGCGTACTT-3'